The following is an entry in ClinVar:

NM_001048174.2(MUTYH):c.1263C>G (p.Ile421Met)

Gene: MUTYH (mutY DNA glycosylase; minus strand). Cytogenetic location: 1p34.1.
Variant type: single nucleotide variant.
Coding change: c.1263C>G on transcript NM_001048174.2 (MANE Select); coding-DNA position 1263, C replaced by G.
Protein change: p.Ile421Met; replaces isoleucine 421 with methionine.
Molecular consequence: missense variant. On other transcripts: non-coding transcript variant (7).
Genome position (GRCh38, 1-based): chr1:45,331,311, G>C on the plus strand (C>G on the coding strand, the complement: MUTYH is on the minus strand). VCF-style: chr1-45331311-G-C. GRCh37 (hg19) VCF-style: chr1-45796983-G-C.
Other names: c.1263C>G, p.Ile421Met (NM_001048171.2, NM_001048173.2, NM_001293195.2 and 6 more transcripts); c.1266C>G, p.Ile422Met (NM_001048172.2, NM_001407071.1, NM_001407078.1 and 1 more transcripts); c.1347C>G, p.Ile449Met (NM_001128425.2); c.1308C>G, p.Ile436Met (NM_001293190.2); c.1296C>G, p.Ile432Met (NM_001293191.2, NM_001407069.1, NM_001407077.1); c.987C>G, p.Ile329Met (NM_001293192.2, NM_001293196.2, NM_001407091.1); c.918C>G, p.Ile306Met (NM_001350650.2, NM_001350651.2, NM_001407082.1); c.1179C>G, p.Ile393Met (NM_001407075.1); and 5 more; short protein forms I306M, I407M, I428M, I446M, I329M, I422M, I432M, I393M.
Identifiers: ClinVar variation 2773679 (VCV002773679.3), dbSNP rs2149114379, ClinGen allele CA340132761.

ClinVar aggregate classification (germline): Uncertain significance. Review status: criteria provided, multiple submitters, no conflicts (2 of 4 stars). 2 submissions from 2 submitters: Uncertain significance (2). Last evaluated 2025-08-27.

Conditions:
Hereditary cancer-predisposing syndrome. Also called: Hereditary neoplastic syndrome; Hereditary Cancer Syndrome; Neoplastic Syndromes, Hereditary; Tumor predisposition. Identifiers: Orphanet 140162, MedGen C0027672, MeSH D009386, MONDO:0015356.

Submissions (2):

Ambry Genetics
Classification: Uncertain significance for Hereditary cancer-predisposing syndrome. Last evaluated: 2025-08-27. Review status: criteria provided, single submitter. Criteria: Ambry Variant Classification Scheme 2023. Collection method: clinical testing. Allele origin: germline.
Comment: The p.I449M variant (also known as c.1347C>G), located in coding exon 14 of the MUTYH gene, results from a C to G substitution at nucleotide position 1347. The isoleucine at codon 449 is replaced by methionine, an amino acid with highly similar properties. This amino acid position is conserved. In addition, this alteration is predicted to be deleterious by in silico analysis. Based on the available evidence, the clinical significance of this variant remains unclear.

Color Diagnostics, LLC DBA Color Health
Classification: Uncertain significance for Hereditary cancer-predisposing syndrome. Last evaluated: 2024-03-06. Review status: criteria provided, single submitter. Criteria: ACMG Guidelines, 2015. Collection method: clinical testing. Allele origin: germline.
Comment: This missense variant replaces isoleucine with methionine at codon 449 of the MUTYH protein. Computational prediction suggests that this variant may have deleterious impact on protein structure and function (internally defined REVEL score threshold >= 0.7, PMID: 27666373). To our knowledge, functional studies have not been reported for this variant. This variant has not been reported in individuals affected with hereditary cancer in the literature. This variant has not been identified in the general population by the Genome Aggregation Database (gnomAD). The available evidence is insufficient to determine the role of this variant in disease conclusively. Therefore, this variant is classified as a Variant of Uncertain Significance.